The following is an entry in ClinVar:

NM_004789.4(LHX2):c.667G>A (p.Gly223Arg)

Gene: LHX2 (LIM homeobox 2; plus strand). Cytogenetic location: 9q33.3.
Variant type: single nucleotide variant.
Coding change: c.667G>A on transcript NM_004789.4 (MANE Select); coding-DNA position 667, G replaced by A.
Protein change: p.Gly223Arg; replaces glycine 223 with arginine.
Molecular consequence: missense variant.
Genome position (GRCh38, 1-based): chr9:124,015,465, G>A. VCF-style: chr9-124015465-G-A. GRCh37 (hg19) VCF-style: chr9-126777744-G-A.
Other names: short protein forms G223R.
Identifiers: ClinVar variation 4540320 (VCV004540320.1).

ClinVar aggregate classification (germline): Uncertain significance (1 of 4 stars; one submission).

gnomAD v4.1: 1 of 1,512,410 alleles (0.000066%); highest among the groups gnomAD compares: Non-Finnish European, 0.000088%; no homozygotes.

Submission:

GeneDx
Classification: Uncertain significance. Last evaluated: 2025-06-27. Review status: criteria provided, single submitter. Criteria: GeneDx Variant Classification Process June 2021. Collection method: clinical testing. Allele origin: germline. Affected: yes.
Comment: Not observed at significant frequency in large population cohorts (gnomAD); In silico analysis supports that this missense variant has a deleterious effect on protein structure/function; Has not been previously published as pathogenic or benign to our knowledge